The following is an entry in ClinVar:

ClinVar aggregate classification (germline): Uncertain significance. Review status: criteria provided, multiple submitters, no conflicts (2 of 4 stars). 2 submissions from 2 submitters: Uncertain significance (2). Last evaluated 2022-01-19.

Conditions:
Stuve-Wiedemann syndrome (STWS). Also called: Stüve-Wiedemann syndrome. Identifiers: Orphanet 3206, MedGen C0796176, MONDO:0031280.

Allele frequency attached by ClinVar (database versions not stated): gnomAD 0.00001 and 0.00003; TOPMed 0.00003; gnomAD exomes 0.00005 and 0.00006; ExAC 0.00009.
gnomAD v4.1: 70 of 1,570,268 alleles (0.0045%); highest among the groups gnomAD compares: East Asian, 0.11%; 1 homozygote.

Submissions (3):

Labcorp Genetics (formerly Invitae), Labcorp
Classification: Uncertain significance. Last evaluated: 2022-01-19. Review status: criteria provided, single submitter. Criteria: Invitae Variant Classification Sherloc (09022015). Collection method: clinical testing. Allele origin: germline.
Comment: This sequence change replaces arginine, which is basic and polar, with glutamine, which is neutral and polar, at codon 480 of the LIFR protein (p.Arg480Gln). This variant is present in population databases (rs781727104, gnomAD 0.05%). This variant has not been reported in the literature in individuals affected with LIFR-related conditions. ClinVar contains an entry for this variant (Variation ID: 904129). Algorithms developed to predict the effect of missense changes on protein structure and function output the following: SIFT: "Tolerated"; PolyPhen-2: "Benign"; Align-GVGD: "Class C0". The glutamine amino acid residue is found in multiple mammalian species, which suggests that this missense change does not adversely affect protein function. Algorithms developed to predict the effect of sequence changes on RNA splicing suggest that this variant may create or strengthen a splice site. In summary, the available evidence is currently insufficient to determine the role of this variant in disease. Therefore, it has been classified as a Variant of Uncertain Significance.

Illumina Laboratory Services, Illumina
Classification: Uncertain significance for Stüve-Wiedemann syndrome 1. Last evaluated: 2018-01-13. Review status: criteria provided, single submitter. Criteria: ICSL Variant Classification Criteria 13 December 2019. Collection method: clinical testing. Allele origin: germline.

Dr. Peter K. Rogan Lab, Western University
No classification provided (evidence only). Condition: Thymoma. Review status: no classification provided. Collection method: in vitro. Allele origin: not applicable. Functional consequence: retained intron. Not counted in ClinVar's aggregate classification.

NM_001127671.2(LIFR):c.1439G>A (p.Arg480Gln)

Gene: LIFR (LIF receptor subunit alpha; minus strand). Cytogenetic location: 5p13.1.
Variant type: single nucleotide variant.
Coding change: c.1439G>A on transcript NM_001127671.2 (MANE Select); coding-DNA position 1439, G replaced by A.
Protein change: p.Arg480Gln; replaces arginine 480 with glutamine.
Molecular consequence: missense variant.
Genome position (GRCh38, 1-based): chr5:38,502,798, C>T on the plus strand (G>A on the coding strand, the complement: LIFR is on the minus strand). VCF-style: chr5-38502798-C-T. GRCh37 (hg19) VCF-style: chr5-38502900-C-T.
Other names: c.1439G>A, p.Arg480Gln (NM_001364297.2, NM_001364298.2, NM_002310.6); short protein forms R480Q.
Identifiers: ClinVar variation 904129 (VCV000904129.7), dbSNP rs781727104, ClinGen allele CA3242938.
Genomic context (GRCh38, chr5:38,502,798, plus strand): 5'-TTTAACTTGTCCAGAGCAACAAGATAACTTGAATTTTCTACTCCTTTGATTGTGACATTC[C>T]GCTATTGGAAAACAAATAAATATATATATATGTATATATTATGTGTATGAATACATATAT-3'
Protein context (NP_001121143.1, residues 470-490): IKKSNSVQEQ[Arg480Gln]NVTIKGVENS